The following is an entry in ClinVar:

NM_031924.8(RSPH3):c.571G>A (p.Val191Ile)

Gene: RSPH3 (radial spoke head 3; minus strand). Cytogenetic location: 6q25.3.
Variant type: single nucleotide variant.
Coding change: c.571G>A on transcript NM_031924.8 (MANE Select); coding-DNA position 571, G replaced by A.
Protein change: p.Val191Ile; replaces valine 191 with isoleucine.
Molecular consequence: missense variant. On other transcripts: non-coding transcript variant (1).
Genome position (GRCh38, 1-based): chr6:158,982,610, C>T on the plus strand (G>A on the coding strand, the complement: RSPH3 is on the minus strand). VCF-style: chr6-158982610-C-T. GRCh37 (hg19) VCF-style: chr6-159403642-C-T.
Other names: c.709G>A, p.Val237Ile (NM_001346418.1); short protein forms V237I, V191I.
Identifiers: ClinVar variation 572370 (VCV000572370.9), dbSNP rs147697861, ClinGen allele CA4075868.

ClinVar aggregate classification (germline): Uncertain significance. Review status: criteria provided, multiple submitters, no conflicts (2 of 4 stars). 2 submissions from 2 submitters: Uncertain significance (2). Last evaluated 2025-09-25.

Conditions:
Inborn genetic diseases. Identifiers: MedGen C0950123, MeSH D030342.
Primary ciliary dyskinesia 32. Also called: CILIARY DYSKINESIA, PRIMARY, 32, WITHOUT SITUS INVERSUS. Identifiers: Orphanet 244, MedGen C4225311, MONDO:0014657, OMIM 616481.

Allele frequency attached by ClinVar (database versions not stated): ExAC 0.00003; ESP Exome Variant Server 0.00008; gnomAD 0.00017 and 0.00014; TOPMed 0.00014; gnomAD exomes 0.00001 and 0.00002.

Submissions (2):

Ambry Genetics
Classification: Uncertain significance for Inborn genetic diseases. Last evaluated: 2025-09-25. Review status: criteria provided, single submitter. Criteria: Ambry Variant Classification Scheme 2023. Collection method: clinical testing. Allele origin: germline.

Labcorp Genetics (formerly Invitae), Labcorp
Classification: Uncertain significance for Primary ciliary dyskinesia 32. Last evaluated: 2024-09-24. Review status: criteria provided, single submitter. Criteria: Invitae Variant Classification Sherloc (09022015). Collection method: clinical testing. Allele origin: germline.
Comment: This sequence change replaces valine, which is neutral and non-polar, with isoleucine, which is neutral and non-polar, at codon 333 of the RSPH3 protein (p.Val333Ile). This variant is present in population databases (rs147697861, gnomAD 0.03%). This variant has not been reported in the literature in individuals affected with RSPH3-related conditions. ClinVar contains an entry for this variant (Variation ID: 572370). An algorithm developed to predict the effect of missense changes on protein structure and function (PolyPhen-2) suggests that this variant is likely to be disruptive. In summary, the available evidence is currently insufficient to determine the role of this variant in disease. Therefore, it has been classified as a Variant of Uncertain Significance.